The following is an entry in ClinVar:

ClinVar aggregate classification (germline): Benign/Likely benign. Review status: criteria provided, multiple submitters, no conflicts (2 of 4 stars). 5 submissions from 5 submitters: Benign (1); Likely benign (4). Last evaluated 2025-04-14.

Conditions:
Familial cancer of breast. Also called: BREAST CANCER, FAMILIAL; Hereditary breast cancer; hereditary breast carcinoma. Identifiers: Orphanet 227535, MedGen C0346153, MONDO:0016419, OMIM 114480. Disease mechanism: loss of function.
Fanconi anemia complementation group J. Also called: BRIP1-Related Fanconi Anemia. Identifiers: Orphanet 84, MedGen C1836860, MONDO:0012187, OMIM 609054.
Hereditary cancer-predisposing syndrome. Also called: Hereditary Cancer Syndrome; Neoplastic Syndromes, Hereditary; Tumor predisposition; Hereditary neoplastic syndrome. Identifiers: Orphanet 140162, MedGen C0027672, MeSH D009386, MONDO:0015356.

Allele frequency attached by ClinVar (database versions not stated): ExAC 0.00001; gnomAD exomes 0.00001; TOPMed 0.00001; ESP Exome Variant Server 0.00008.
gnomAD v4.1: 7 of 1,614,116 alleles (0.00043%); highest among the groups gnomAD compares: Non-Finnish European, 0.00059%; no homozygotes.

Submissions (5):

Labcorp Genetics (formerly Invitae), Labcorp
Classification: Likely benign for Familial cancer of breast; Fanconi anemia complementation group J. Last evaluated: 2025-04-14. Review status: criteria provided, single submitter. Criteria: Invitae Variant Classification Sherloc (09022015). Collection method: clinical testing. Allele origin: germline.

Myriad Genetics, Inc.
Classification: Benign for Familial cancer of breast. Last evaluated: 2024-09-03. Review status: criteria provided, single submitter. Criteria: Myriad Autosomal Dominant, Autosomal Recessive and X-Linked Classification Criteria (2023). Collection method: clinical testing. Allele origin: unknown.
Comment: This variant is considered benign. This variant is a silent/synonymous amino acid change and it is not expected to impact splicing.

Women's Health and Genetics/Laboratory Corporation of America, LabCorp
Classification: Likely benign. Last evaluated: 2019-08-28. Review status: criteria provided, single submitter. Criteria: LabCorp Variant Classification Summary - May 2015. Collection method: clinical testing. Allele origin: germline.

Color Diagnostics, LLC DBA Color Health
Classification: Likely benign for Hereditary cancer-predisposing syndrome. Last evaluated: 2017-11-12. Review status: criteria provided, single submitter. Criteria: ACMG Guidelines, 2015. Collection method: clinical testing. Allele origin: germline.

Ambry Genetics
Classification: Likely benign for Hereditary cancer-predisposing syndrome. Last evaluated: 2014-10-01. Review status: criteria provided, single submitter. Criteria: Ambry Variant Classification Scheme 2023. Collection method: clinical testing. Allele origin: germline.

NM_032043.3(BRIP1):c.1989C>A (p.Thr663=)

Gene: BRIP1 (BRCA1 interacting DNA helicase 1; minus strand). Cytogenetic location: 17q23.2.
Variant type: single nucleotide variant.
Coding change: c.1989C>A on transcript NM_032043.3 (MANE Select); coding-DNA position 1989, C replaced by A.
Protein change: p.Thr663=; no amino-acid change (threonine 663 retained).
Molecular consequence: synonymous variant.
Genome position (GRCh38, 1-based): chr17:61,776,509, G>T on the plus strand (C>A on the coding strand, the complement: BRIP1 is on the minus strand). VCF-style: chr17-61776509-G-T. GRCh37 (hg19) VCF-style: chr17-59853870-G-T.
Identifiers: ClinVar variation 186325 (VCV000186325.20), dbSNP rs376628979, ClinGen allele CA194483.